The following is an entry in ClinVar:

ClinVar aggregate classification (germline): Pathogenic. Review status: criteria provided, single submitter (1 of 4 stars). 2 submissions from 2 submitters: Pathogenic (1). 1 of the submissions does not count toward it. Last evaluated 2024-06-19.

Conditions:
Trichothiodystrophy 3, photosensitive (TTD3). Also called: Trichothiodystrophy, complementation group A. Identifiers: Orphanet 33364, MedGen C4017171, MONDO:0014619, OMIM 616395.

Allele frequency attached by ClinVar (database versions not stated): gnomAD exomes below 0.00001; TOPMed 0.00001.
gnomAD v4.1: 2 of 1,613,926 alleles (0.00012%); highest among the groups gnomAD compares: Non-Finnish European, 0.00017%; no homozygotes.

Submissions (2):

Labcorp Genetics (formerly Invitae), Labcorp
Classification: Pathogenic. Last evaluated: 2024-06-19. Review status: criteria provided, single submitter. Criteria: Invitae Variant Classification Sherloc (09022015). Collection method: clinical testing. Allele origin: germline.
Comment: This sequence change creates a premature translational stop signal (p.Lys17*) in the GTF2H5 gene. While this is not anticipated to result in nonsense mediated decay, it is expected to disrupt the last 55 amino acid(s) of the GTF2H5 protein. This variant is not present in population databases (gnomAD no frequency). This premature translational stop signal has been observed in individual(s) with trichothiodystrophy (PMID: 30359777). ClinVar contains an entry for this variant (Variation ID: 975159). This variant disrupts a region of the GTF2H5 protein in which other variant(s) (p.Arg56*) have been determined to be pathogenic (PMID: 15220921, 25620205). This suggests that this is a clinically significant region of the protein, and that variants that disrupt it are likely to be disease-causing. For these reasons, this variant has been classified as Pathogenic.

OMIM
Classification: Pathogenic for TRICHOTHIODYSTROPHY 3, PHOTOSENSITIVE. Last evaluated: 2020-08-10. Review status: no assertion criteria provided. Collection method: literature only. Allele origin: germline. Not counted in ClinVar's aggregate classification.

Literature cited by the submitters: PubMed 30359777 (cited by Labcorp Genetics (formerly Invitae), Labcorp and OMIM); PubMed 15220921 (cited by Labcorp Genetics (formerly Invitae), Labcorp); PubMed 25620205 (cited by Labcorp Genetics (formerly Invitae), Labcorp).

NM_207118.3(GTF2H5):c.49A>T (p.Lys17Ter)

Gene: GTF2H5 (general transcription factor IIH subunit 5; plus strand). Cytogenetic location: 6q25.3.
Variant type: single nucleotide variant.
Coding change: c.49A>T on transcript NM_207118.3 (MANE Select); coding-DNA position 49, A replaced by T.
Protein change: p.Lys17Ter; replaces lysine 17 with a stop codon.
Molecular consequence: nonsense.
Genome position (GRCh38, 1-based): chr6:158,191,990, A>T. VCF-style: chr6-158191990-A-T. GRCh37 (hg19) VCF-style: chr6-158613022-A-T.
Other names: short protein forms K17*.
Identifiers: ClinVar variation 975159 (VCV000975159.3), dbSNP rs1777036380, ClinGen allele CA366253207.
Genomic context (GRCh38, chr6:158,191,990, plus strand): 5'-GTGATTTGACAACAAGCTGTCTTACAATCATGTGTTTGTCTTTACAGTGATCCTGCCATG[A>T]AGCAGTTTCTGCTGTACTTGGATGAGTCCAATGCCCTGGGGAAGAAGTTCATCATTCAAG-3'